The following is an entry in ClinVar:

ClinVar aggregate classification (germline): Uncertain significance. Review status: criteria provided, multiple submitters, no conflicts (2 of 4 stars). 3 submissions from 3 submitters: Uncertain significance (3). Last evaluated 2024-05-06.

Conditions:
Combined immunodeficiency due to LRBA deficiency. Also called: Common variable immunodeficiency 8, with autoimmunity. Identifiers: Orphanet 445018, MedGen C3553512, MONDO:0013863, OMIM 614700.
Inborn genetic diseases. Identifiers: MedGen C0950123, MeSH D030342.

Allele frequency attached by ClinVar (database versions not stated): ExAC 0.00002; gnomAD exomes 0.00003; gnomAD 0.00009; TOPMed 0.00018; 1000 Genomes Project 0.00040; 1000 Genomes Project 30x 0.00047.
gnomAD v4.1: 131 of 1,613,946 alleles (0.0081%); highest among the groups gnomAD compares: Admixed American, 0.017%; no homozygotes.

Submissions (3):

Labcorp Genetics (formerly Invitae), Labcorp
Classification: Uncertain significance for Combined immunodeficiency due to LRBA deficiency. Last evaluated: 2024-05-06. Review status: criteria provided, single submitter. Criteria: Invitae Variant Classification Sherloc (09022015). Collection method: clinical testing. Allele origin: germline.
Comment: This sequence change replaces aspartic acid, which is acidic and polar, with asparagine, which is neutral and polar, at codon 2832 of the LRBA protein (p.Asp2832Asn). This variant is present in population databases (rs191145485, gnomAD 0.006%). This variant has not been reported in the literature in individuals affected with LRBA-related conditions. ClinVar contains an entry for this variant (Variation ID: 540401). Advanced modeling of protein sequence and biophysical properties (such as structural, functional, and spatial information, amino acid conservation, physicochemical variation, residue mobility, and thermodynamic stability) has been performed at Invitae for this missense variant, however the output from this modeling did not meet the statistical confidence thresholds required to predict the impact of this variant on LRBA protein function. In summary, the available evidence is currently insufficient to determine the role of this variant in disease. Therefore, it has been classified as a Variant of Uncertain Significance.

Blueprint Genetics
Classification: Uncertain significance. Last evaluated: 2024-02-22. Review status: criteria provided, single submitter. Criteria: ACMG Guidelines, 2015. Collection method: clinical testing. Allele origin: germline.

Ambry Genetics
Classification: Uncertain significance for Inborn genetic diseases. Last evaluated: 2021-09-01. Review status: criteria provided, single submitter. Criteria: Ambry Variant Classification Scheme 2023. Collection method: clinical testing. Allele origin: germline.

NM_001364905.1(LRBA):c.8461G>A (p.Asp2821Asn)

Gene: LRBA (LPS responsive beige-like anchor protein; minus strand). Cytogenetic location: 4q31.3.
Variant type: single nucleotide variant.
Coding change: c.8461G>A on transcript NM_001364905.1 (MANE Select); coding-DNA position 8461, G replaced by A.
Protein change: p.Asp2821Asn; replaces aspartic acid 2821 with asparagine.
Molecular consequence: missense variant.
Genome position (GRCh38, 1-based): chr4:150,277,860, C>T on the plus strand (G>A on the coding strand, the complement: LRBA is on the minus strand). VCF-style: chr4-150277860-C-T. GRCh37 (hg19) VCF-style: chr4-151199012-C-T.
Other names: c.8458G>A, p.Asp2820Asn (NM_001199282.3); c.8476G>A, p.Asp2826Asn (NM_001367550.1); c.8494G>A, p.Asp2832Asn (NM_006726.5); short protein forms D2832N, D2820N, D2821N, D2826N.
Identifiers: ClinVar variation 540401 (VCV000540401.10), dbSNP rs191145485, ClinGen allele CA3101340.